The following is an entry in ClinVar:

NM_006766.5(KAT6A):c.4309A>G (p.Ser1437Gly)

Gene: KAT6A (lysine acetyltransferase 6A; minus strand). Cytogenetic location: 8p11.21.
Variant type: single nucleotide variant.
Coding change: c.4309A>G on transcript NM_006766.5 (MANE Select); coding-DNA position 4309, A replaced by G.
Protein change: p.Ser1437Gly; replaces serine 1437 with glycine.
Molecular consequence: missense variant.
Genome position (GRCh38, 1-based): chr8:41,933,911, T>C on the plus strand (A>G on the coding strand, the complement: KAT6A is on the minus strand). VCF-style: chr8-41933911-T-C. GRCh37 (hg19) VCF-style: chr8-41791429-T-C.
Other names: short protein forms S1437G.
Identifiers: ClinVar variation 3348417 (VCV003348417.1).
Genomic context (GRCh38, chr8:41,933,911, plus strand): 5'-GCAGGGTCTGACACGCCGCAAGAGTTTCCTCACAGTCCTGGTAGGCGCCCTCATGCTCAC[T>C]GCTTTCTTCTTGAGTCAAAGACTGCACTGCCTGTACAGTTTCCAGATCCAGCTCACTATG-3'
Protein context (NP_006757.2, residues 1427-1447): AVQSLTQEES[Ser1437Gly]EHEGAYQDCE

ClinVar aggregate classification (germline): Uncertain significance (0 of 4 stars; one submission).

Conditions:
KAT6A-related disorder. Also called: KAT6A-related condition.

Submission:

PreventionGenetics, part of Exact Sciences
Classification: Uncertain significance for KAT6A-related condition. Last evaluated: 2024-09-26. Review status: no assertion criteria provided. Collection method: clinical testing. Allele origin: germline.
Comment: The KAT6A c.4309A>G variant is predicted to result in the amino acid substitution p.Ser1437Gly. To our knowledge, this variant has not been reported in the literature or in a large population database, indicating this variant is rare. At this time, the clinical significance of this variant is uncertain due to the absence of conclusive functional and genetic evidence.